The following is an entry in ClinVar:

NM_032888.4(COL27A1):c.3554G>A (p.Arg1185Gln)

Gene: COL27A1 (collagen type XXVII alpha 1 chain; plus strand). Cytogenetic location: 9q32.
Variant type: single nucleotide variant.
Coding change: c.3554G>A on transcript NM_032888.4 (MANE Select); coding-DNA position 3554, G replaced by A.
Protein change: p.Arg1185Gln; replaces arginine 1185 with glutamine.
Molecular consequence: missense variant.
Genome position (GRCh38, 1-based): chr9:114,269,293, G>A. VCF-style: chr9-114269293-G-A. GRCh37 (hg19) VCF-style: chr9-117031573-G-A.
Other names: c.3554G>A (NM_032888.2); short protein forms R1185Q.
Identifiers: ClinVar variation 1436864 (VCV001436864.8), dbSNP rs374160108, ClinGen allele CA198650659.

ClinVar aggregate classification (germline): Uncertain significance. Review status: criteria provided, multiple submitters, no conflicts (2 of 4 stars). 2 submissions from 2 submitters: Uncertain significance (2). Last evaluated 2024-02-19.

Conditions:
Inborn genetic diseases. Identifiers: MedGen C0950123, MeSH D030342.

Allele frequency attached by ClinVar (database versions not stated): gnomAD 0.00002; TOPMed 0.00002.
gnomAD v4.1: 17 of 1,607,806 alleles (0.0011%); highest among the groups gnomAD compares: African/African-American, 0.0013%; no homozygotes.

Submissions (2):

Labcorp Genetics (formerly Invitae), Labcorp
Classification: Uncertain significance. Last evaluated: 2024-02-19. Review status: criteria provided, single submitter. Criteria: Invitae Variant Classification Sherloc (09022015). Collection method: clinical testing. Allele origin: germline.
Comment: This sequence change replaces arginine, which is basic and polar, with glutamine, which is neutral and polar, at codon 1185 of the COL27A1 protein (p.Arg1185Gln). The frequency data for this variant in the population databases is considered unreliable, as metrics indicate poor data quality at this position in the gnomAD database. This variant has not been reported in the literature in individuals affected with COL27A1-related conditions. ClinVar contains an entry for this variant (Variation ID: 1436864). An algorithm developed to predict the effect of missense changes on protein structure and function (PolyPhen-2) suggests that this variant is likely to be disruptive. In summary, the available evidence is currently insufficient to determine the role of this variant in disease. Therefore, it has been classified as a Variant of Uncertain Significance.

Ambry Genetics
Classification: Uncertain significance for Inborn genetic diseases. Last evaluated: 2022-11-18. Review status: criteria provided, single submitter. Criteria: Ambry Variant Classification Scheme 2023. Collection method: clinical testing. Allele origin: germline.